The following is an entry in ClinVar:

NM_004329.3(BMPR1A):c.-267-9dup

Gene: BMPR1A (bone morphogenetic protein receptor type 1A; plus strand). Cytogenetic location: 10q23.2.
Variant type: Duplication.
Coding change: c.-267-9dup on transcript NM_004329.3 (MANE Select); 9 bases into the intron before 267 bases upstream of the start codon, one base duplicated (T; older notation c.-267-9dupT).
Molecular consequence: intron variant.
Genome position (GRCh38, 1-based): chr10:86,838,856, T duplicated; the last of 9 consecutive T bases (chr10:86,838,848-86,838,856); duplicating any one gives the same sequence. VCF-style (leftmost placement, unchanged base first): chr10-86838847-C-CT. GRCh37 (hg19) VCF-style: chr10-88598604-C-CT.
Other names: c.-267-9dupT (NM_004329.2).
Identifiers: ClinVar variation 516082 (VCV000516082.1), dbSNP rs960178451, ClinGen allele CA211232096.
Genomic context (GRCh38, chr10:86,838,847, plus strand): 5'-CTTCTAGTATTGCTTCTAGATGTATTATTCTGACAAAGTTCCCTAAGTCTTAAATAAGTT[C>CT]TTTTTTTTTCTAAACAGACTTATGAAAATATGCATCAGTTTAATACTGTCTTGGAATTCA-3'

ClinVar aggregate classification (germline): Likely benign (1 of 4 stars; one submission).

Submission:

GeneDx
Classification: Likely benign. Last evaluated: 2017-05-31. Review status: criteria provided, single submitter. Criteria: GeneDx Variant Classification (06012015). Collection method: clinical testing. Allele origin: germline. Affected: yes.
Comment: This variant is considered likely benign or benign based on one or more of the following criteria: it is a conservative change, it occurs at a poorly conserved position in the protein, it is predicted to be benign by multiple in silico algorithms, and/or has population frequency not consistent with disease.